The following is an entry in ClinVar:

NM_015386.3(COG4):c.599A>G (p.Lys200Arg)

Gene: COG4 (component of oligomeric golgi complex 4; minus strand). Cytogenetic location: 16q22.1.
Variant type: single nucleotide variant.
Coding change: c.599A>G on transcript NM_015386.3 (MANE Select); coding-DNA position 599, A replaced by G.
Protein change: p.Lys200Arg; replaces lysine 200 with arginine.
Molecular consequence: missense variant. On other transcripts: non-coding transcript variant (1).
Genome position (GRCh38, 1-based): chr16:70,512,378, T>C on the plus strand (A>G on the coding strand, the complement: COG4 is on the minus strand). VCF-style: chr16-70512378-T-C. GRCh37 (hg19) VCF-style: chr16-70546281-T-C.
Other names: c.587A>G, p.Lys196Arg (NM_001195139.2); c.173A>G, p.Lys58Arg (NM_001365426.1); short protein forms K200R, K196R, K58R.
Identifiers: ClinVar variation 430187 (VCV000430187.6), dbSNP rs567414816, ClinGen allele CA283452773.

ClinVar aggregate classification (germline): Uncertain significance. Review status: criteria provided, multiple submitters, no conflicts (2 of 4 stars). 2 submissions from 2 submitters: Uncertain significance (2). Last evaluated 2021-09-28.

Conditions:
Inborn genetic diseases. Identifiers: MedGen C0950123, MeSH D030342.

Allele frequency attached by ClinVar (database versions not stated): gnomAD exomes 0.00001; TOPMed below 0.00001.
gnomAD v4.1: 13 of 1,614,184 alleles (0.00081%); highest among the groups gnomAD compares: Non-Finnish European, 0.0011%; no homozygotes.

Submissions (2):

Ambry Genetics
Classification: Uncertain significance for Inborn genetic diseases. Last evaluated: 2021-09-28. Review status: criteria provided, single submitter. Criteria: Ambry Variant Classification Scheme 2023. Collection method: clinical testing. Allele origin: germline.

GeneDx
Classification: Uncertain significance. Last evaluated: 2019-09-13. Review status: criteria provided, single submitter. Criteria: GeneDx Variant Classification Process June 2021. Collection method: clinical testing. Allele origin: germline. Affected: yes.
Comment: Not observed at a significant frequency in large population cohorts (Lek et al., 2016); In silico analysis, which includes protein predictors and evolutionary conservation, supports that this variant does not alter protein structure/function; Has not been previously published as pathogenic or benign to our knowledge